The following is an entry in ClinVar:

NM_198904.4(GABRG2):c.1045G>A (p.Ala349Thr)

Gene: GABRG2 (gamma-aminobutyric acid type A receptor subunit gamma2; plus strand). Cytogenetic location: 5q34.
Variant type: single nucleotide variant.
Coding change: c.1045G>A on transcript NM_198904.4 (MANE Select); coding-DNA position 1045, G replaced by A.
Protein change: p.Ala349Thr; replaces alanine 349 with threonine.
Molecular consequence: missense variant. On other transcripts: intron variant (1).
Genome position (GRCh38, 1-based): chr5:162,149,230, G>A. VCF-style: chr5-162149230-G-A. GRCh37 (hg19) VCF-style: chr5-161576236-G-A.
Other names: c.1045G>A, p.Ala349Thr (NM_000816.3); c.1036G>A, p.Ala346Thr (NM_001375339.1); c.1042G>A, p.Ala348Thr (NM_001375341.1, NM_001375342.1); c.1165G>A, p.Ala389Thr (NM_001375343.1, NM_198903.2); c.1084G>A, p.Ala362Thr (NM_001375344.1); c.979G>A, p.Ala327Thr (NM_001375345.1, NM_001375346.1); c.958G>A, p.Ala320Thr (NM_001375347.1); c.625G>A, p.Ala209Thr (NM_001375348.1, NM_001375350.1); and 2 more; short protein forms A254T, A346T, A389T, A362T, A320T, A209T, A327T, A348T.
Identifiers: ClinVar variation 859817 (VCV000859817.10), dbSNP rs756959300, ClinGen allele CA3544867.

ClinVar aggregate classification (germline): Uncertain significance (1 of 4 stars; one submission).

Conditions:
EPILEPSY, CHILDHOOD ABSENCE, SUSCEPTIBILITY TO, 2 (ECA2). Identifiers: Orphanet 64280, MedGen C1843244, OMIM 607681.
Febrile seizures, familial, 8 (FEB8). Also called: CONVULSIONS, FAMILIAL FEBRILE, 8. Identifiers: Orphanet 36387, MedGen C1969810, MONDO:0011891, OMIM 607681.

Allele frequency attached by ClinVar (database versions not stated): gnomAD exomes below 0.00001; ExAC 0.00001.
gnomAD v4.1: 1 of 1,614,136 alleles (0.000062%); highest among the groups gnomAD compares: East Asian, 0.0022%; no homozygotes.

Submission:

Labcorp Genetics (formerly Invitae), Labcorp
Classification: Uncertain significance for Febrile seizures, familial, 8; EPILEPSY, CHILDHOOD ABSENCE, SUSCEPTIBILITY TO, 2. Last evaluated: 2020-01-28. Review status: criteria provided, single submitter. Criteria: Invitae Variant Classification Sherloc (09022015). Collection method: clinical testing. Allele origin: germline.
Comment: This variant is present in population databases (rs756959300, ExAC 0.01%). This sequence change replaces alanine with threonine at codon 349 of the GABRG2 protein (p.Ala349Thr). The alanine residue is highly conserved and there is a small physicochemical difference between alanine and threonine. This variant has not been reported in the literature in individuals with GABRG2-related conditions. Algorithms developed to predict the effect of missense changes on protein structure and function are either unavailable or do not agree on the potential impact of this missense change (SIFT: "Deleterious"; PolyPhen-2: "Probably Damaging"; Align-GVGD: "Class C0"). In summary, the available evidence is currently insufficient to determine the role of this variant in disease. Therefore, it has been classified as a Variant of Uncertain Significance.